The following is an entry in ClinVar:

NM_002439.5(MSH3):c.356_357del (p.Asn118_Ser119insTer)

Gene: MSH3 (mutS homolog 3; plus strand). Cytogenetic location: 5q14.1.
Variant type: Microsatellite.
Coding change: c.356_357del on transcript NM_002439.5 (MANE Select); coding-DNA positions 356 to 357, 2 bases deleted (CT; older notation c.356_357delCT).
Protein change: p.Asn118_Ser119insTer.
Molecular consequence: nonsense.
Genome position (GRCh38, 1-based): chr5:80,656,529-80,656,530, CT deleted; deleting any 2 consecutive bases within chr5:80,656,527-80,656,530 gives the same sequence; the c. name uses the placement nearest the transcript's 3' end. VCF-style (leftmost placement, unchanged base first): chr5-80656526-ACT-A. GRCh37 (hg19) VCF-style: chr5-79952345-ACT-A.
Other names: c.356_357delCT (NM_002439.3).
Identifiers: ClinVar variation 2757938 (VCV002757938.4), dbSNP rs2546712318, ClinGen allele CA2697547239.

ClinVar aggregate classification (germline): Pathogenic. Review status: criteria provided, multiple submitters, no conflicts (2 of 4 stars). 2 submissions from 2 submitters: Pathogenic (2). Last evaluated 2025-05-30.

Conditions:
Hereditary cancer-predisposing syndrome. Also called: Neoplastic Syndromes, Hereditary; Hereditary Cancer Syndrome; Hereditary neoplastic syndrome; Tumor predisposition. Identifiers: Orphanet 140162, MedGen C0027672, MeSH D009386, MONDO:0015356.

Submissions (2):

Ambry Genetics
Classification: Pathogenic for Hereditary cancer-predisposing syndrome. Last evaluated: 2025-05-30. Review status: criteria provided, single submitter. Criteria: Ambry Variant Classification Scheme 2023. Collection method: clinical testing. Allele origin: germline.
Comment: The c.356_357delCT pathogenic mutation, located in coding exon 2 of the MSH3 gene, results from a deletion of two nucleotides at nucleotide positions 356 to 357, causing a translational frameshift with a predicted alternate stop codon (p.S119*). This variant is considered to be rare based on population cohorts in the Genome Aggregation Database (gnomAD). This alteration is expected to result in loss of function by premature protein truncation or nonsense-mediated mRNA decay. As such, this alteration is interpreted as a disease-causing mutation.

Labcorp Genetics (formerly Invitae), Labcorp
Classification: Pathogenic. Last evaluated: 2024-01-24. Review status: criteria provided, single submitter. Criteria: Invitae Variant Classification Sherloc (09022015). Collection method: clinical testing. Allele origin: germline.
Comment: This sequence change creates a premature translational stop signal (p.Ser119*) in the MSH3 gene. It is expected to result in an absent or disrupted protein product. Loss-of-function variants in MSH3 are known to be pathogenic (PMID: 27476653, 37402566). This variant is not present in population databases (gnomAD no frequency). This variant has not been reported in the literature in individuals affected with MSH3-related conditions. For these reasons, this variant has been classified as Pathogenic.

Literature cited by the submitters: PubMed 27476653 (cited by Labcorp Genetics (formerly Invitae), Labcorp); PubMed 37402566 (cited by Labcorp Genetics (formerly Invitae), Labcorp).